The following is an entry in ClinVar:

ClinVar aggregate classification (germline): Uncertain significance (1 of 4 stars; one submission).

gnomAD v4.1: 1 of 1,613,924 alleles (0.000062%); highest among the groups gnomAD compares: African/African-American, 0.0013%; no homozygotes.

Submission:

Women's Health and Genetics/Laboratory Corporation of America, LabCorp
Classification: Uncertain significance. Last evaluated: 2024-10-08. Review status: criteria provided, single submitter. Criteria: LabCorp Variant Classification Summary - May 2015. Collection method: clinical testing. Allele origin: germline.
Comment: Variant summary: QARS1 c.733G>A (p.Val245Ile) results in a conservative amino acid change located in the Glutaminyl-tRNA synthetase, class Ib, non-specific RNA-binding domain 2 (IPR007638) of the encoded protein sequence. Four of five in-silico tools predict a benign effect of the variant on protein function. The variant was absent in 13918 control chromosomes. The available data on variant occurrences in the general population are insufficient to allow any conclusion about variant significance. To our knowledge, no occurrence of c.733G>A in individuals affected with Diffuse Cerebral And Cerebellar Atrophy-Intractable Seizures-Progressive Microcephaly Syndrome and no experimental evidence demonstrating its impact on protein function have been reported. No submitters have cited clinical-significance assessments for this variant to ClinVar. Based on the evidence outlined above, the variant was classified as uncertain significance.

NM_005051.3(QARS1):c.733G>A (p.Val245Ile)

Gene: QARS1 (glutaminyl-tRNA synthetase 1; minus strand). Cytogenetic location: 3p21.31.
Variant type: single nucleotide variant.
Coding change: c.733G>A on transcript NM_005051.3 (MANE Select); coding-DNA position 733, G replaced by A.
Protein change: p.Val245Ile; replaces valine 245 with isoleucine.
Molecular consequence: missense variant. On other transcripts: non-coding transcript variant (1).
Genome position (GRCh38, 1-based): chr3:49,101,676, C>T on the plus strand (G>A on the coding strand, the complement: QARS1 is on the minus strand). VCF-style: chr3-49101676-C-T. GRCh37 (hg19) VCF-style: chr3-49139109-C-T.
Other names: c.700G>A, p.Val234Ile (NM_001272073.2); short protein forms V234I, V245I.
Identifiers: ClinVar variation 3384824 (VCV003384824.1).